The following is an entry in ClinVar:

NM_002645.4(PIK3C2A):c.1024C>T (p.Arg342Ter)

Gene: PIK3C2A (phosphatidylinositol-4-phosphate 3-kinase catalytic subunit type 2 alpha; minus strand). Cytogenetic location: 11p15.1.
Variant type: single nucleotide variant.
Coding change: c.1024C>T on transcript NM_002645.4 (MANE Select); coding-DNA position 1024, C replaced by T.
Protein change: p.Arg342Ter; replaces arginine 342 with a stop codon.
Molecular consequence: nonsense. On other transcripts: intron variant (1).
Genome position (GRCh38, 1-based): chr11:17,168,718, G>A on the plus strand (C>T on the coding strand, the complement: PIK3C2A is on the minus strand). VCF-style: chr11-17168718-G-A. GRCh37 (hg19) VCF-style: chr11-17190265-G-A.
Other names: c.1024C>T, p.Arg342Ter (NM_001321378.2, NM_001386870.1); c.-75-13089C>T (NM_001321380.2); short protein forms R342*.
Identifiers: ClinVar variation 3600987 (VCV003600987.1).

ClinVar aggregate classification (germline): Likely pathogenic (1 of 4 stars; one submission).

Conditions:
Oculocerebrodental syndrome (OCSKD). Also called: OCULOSKELETODENTAL SYNDROME; CATARACTS, EARLY-ONSET, WITH SKELETAL AND DENTAL ANOMALIES. Identifiers: Orphanet 557003, MedGen C5193101, MONDO:0034145, OMIM 618440.

gnomAD v4.1: 4 of 1,603,762 alleles (0.00025%); highest among the groups gnomAD compares: South Asian, 0.0011%; no homozygotes.

Submission:

Laboratory of Medical Genetics (UMR_S 1112), INSERM/Strasbourg University
Classification: Likely pathogenic for Oculocerebrodental syndrome. Review status: criteria provided, single submitter. Criteria: ACMG Guidelines, 2015. Collection method: clinical testing. Allele origin: paternal. Affected: yes. Observed: 1 variant allele, 1 compound heterozygote.
Comment: Variant is absent from control populations (gnomAD v3, 1000G) and has never been reported in patients with a similar phenotype. The nonsense variant is predicted to truncate 1,344 amino acids from the PIK3CA protein (96% of the protein length), including almost all the protein domains especially the catalytic kinase domain. Moreover given the position of the variant it should be subject to nonsense mediated decay (NMD) with no detectable expression of the allele harboring this variant. RNA expression levels of the PIK3C2A gene was evaluated by RTqPCR and Sanger sequencing of the cDNA highlighted a significant decreased level of PIK3C2A mRNA from the patient’s skin fibroblasts (compared to controls) and specifically to this allele. This variant is found as a compound heterozygous to another variant (c.3695T>C, p.(Phe1232Ser)), a missense initially class 3 but reclassified as class 4. This variant is classified as pathogenic (class 5) according to the ACMG recommendation.